The following is an entry in ClinVar:

NM_000392.5(ABCC2):c.2713_2717del (p.Arg905fs)

Genes: ABCC2 (ATP binding cassette subfamily C member 2; plus strand), LOC126861012 (BRD4-independent group 4 enhancer GRCh37_chr10:101589748-101590947; plus strand). Cytogenetic location: 10q24.2.
Variant type: Deletion.
Coding change: c.2713_2717del on transcript NM_000392.5 (MANE Select); coding-DNA positions 2713 to 2717, 5 bases deleted (AGAGA; older notation c.2713_2717delAGAGA).
Protein change: p.Arg905fs; shifts the reading frame from arginine 905.
Molecular consequence: frameshift variant.
Genome position (GRCh38, 1-based): chr10:99,830,399-99,830,403, AGAGA deleted; deleting any 5 consecutive bases within chr10:99,830,395-99,830,403 gives the same sequence; the c. name uses the placement nearest the transcript's 3' end. VCF-style (leftmost placement, unchanged base first): chr10-99830394-TGAGAA-T. GRCh37 (hg19) VCF-style: chr10-101590151-TGAGAA-T.
Other names: short protein forms R905fs.
Identifiers: ClinVar variation 3640532 (VCV003640532.2).
Genomic context (GRCh38, chr10:99,830,394, plus strand): 5'-ATGACTATGGGCTGATATCCAGTGTGGAAGAGATCCCCGAAGATGCAGCCTCCATAACCA[TGAGAA>T]GAGAGAACAGCTTTCGTCGAACACTTAGCCGCAGGTTGGCTATCTATTCAGCTGGCAGCC-3'

ClinVar aggregate classification (germline): Pathogenic (1 of 4 stars; one submission).

Submission:

Labcorp Genetics (formerly Invitae), Labcorp
Classification: Pathogenic. Last evaluated: 2024-02-15. Review status: criteria provided, single submitter. Criteria: Invitae Variant Classification Sherloc (09022015). Collection method: clinical testing. Allele origin: germline.
Comment: This sequence change creates a premature translational stop signal (p.Arg905Glufs*8) in the ABCC2 gene. It is expected to result in an absent or disrupted protein product. Loss-of-function variants in ABCC2 are known to be pathogenic (PMID: 9185779, 16549534, 16952291). This variant is not present in population databases (gnomAD no frequency). This variant has not been reported in the literature in individuals affected with ABCC2-related conditions. For these reasons, this variant has been classified as Pathogenic.

Literature cited by the submitters: PubMed 9185779; PubMed 16549534; PubMed 16952291.